The following is an entry in ClinVar:

ClinVar aggregate classification (germline): Uncertain significance (1 of 4 stars; one submission).

Submission:

Labcorp Genetics (formerly Invitae), Labcorp
Classification: Uncertain significance. Last evaluated: 2021-08-08. Review status: criteria provided, single submitter. Criteria: Invitae Variant Classification Sherloc (09022015). Collection method: clinical testing. Allele origin: germline.
Comment: This sequence change replaces leucine with proline at codon 185 of the DDX58 protein (p.Leu185Pro). The leucine residue is moderately conserved and there is a moderate physicochemical difference between leucine and proline. In summary, the available evidence is currently insufficient to determine the role of this variant in disease. Therefore, it has been classified as a Variant of Uncertain Significance. Algorithms developed to predict the effect of missense changes on protein structure and function are either unavailable or do not agree on the potential impact of this missense change (SIFT: "Deleterious"; PolyPhen-2: "Probably Damaging"; Align-GVGD: "Class C0"). This variant has not been reported in the literature in individuals affected with DDX58-related conditions. This variant is not present in population databases (ExAC no frequency).

NM_014314.4(RIGI):c.554T>C (p.Leu185Pro)

Gene: RIGI (RNA sensor RIG-I; minus strand). Cytogenetic location: 9p21.1.
Variant type: single nucleotide variant.
Coding change: c.554T>C on transcript NM_014314.4 (MANE Select); coding-DNA position 554, T replaced by C.
Protein change: p.Leu185Pro; replaces leucine 185 with proline.
Molecular consequence: missense variant. On other transcripts: intron variant (1).
Genome position (GRCh38, 1-based): chr9:32,492,408, A>G on the plus strand (T>C on the coding strand, the complement: RIGI is on the minus strand). VCF-style: chr9-32492408-A-G. GRCh37 (hg19) VCF-style: chr9-32492406-A-G.
Other names: c.554T>C, p.Leu185Pro (NM_001385907.1, NM_001385909.1); c.113T>C, p.Leu38Pro (NM_001385910.1, NM_001385914.1); c.539T>C, p.Leu180Pro (NM_001385913.1); c.-38-988T>C (NM_001385912.1); short protein forms L185P, L180P, L38P.
Identifiers: ClinVar variation 1481542 (VCV001481542.6), dbSNP rs2118821519, ClinGen allele CA373163038.